The following is an entry in ClinVar:

NM_000518.5(HBB):c.316-44C>G

Genes: HBB (hemoglobin subunit beta; minus strand), LOC107133510 (origin of replication at HBB; plus strand), LOC110006319 (beta-globin gene 3' regulatory region; plus strand). Cytogenetic location: 11p15.4.
Variant type: single nucleotide variant.
Coding change: c.316-44C>G on transcript NM_000518.5 (MANE Select); 44 bases into the intron before coding-DNA position 316, C replaced by G.
Molecular consequence: intron variant.
Genome position (GRCh38, 1-based): chr11:5,225,770, G>C on the plus strand (C>G on the coding strand, the complement: HBB is on the minus strand). VCF-style: chr11-5225770-G-C. GRCh37 (hg19) VCF-style: chr11-5247000-G-C.
Identifiers: ClinVar variation 2577312 (VCV002577312.1), dbSNP rs1847533762, ClinGen allele CA2580615622.

ClinVar aggregate classification (germline): Uncertain significance (1 of 4 stars; one submission).

Submission:

Women's Health and Genetics/Laboratory Corporation of America, LabCorp
Classification: Uncertain significance. Last evaluated: 2023-07-13. Review status: criteria provided, single submitter. Criteria: LabCorp Variant Classification Summary - May 2015. Collection method: clinical testing. Allele origin: germline.
Comment: Variant summary: HBB c.316-44C>G is located at a position not widely known to affect splicing. 4/4 computational tools predict no significant impact on normal splicing. However, these predictions have yet to be confirmed by functional studies. The variant was absent in 249984 control chromosomes. The available data on variant occurrences in the general population are insufficient to allow any conclusion about variant significance. To our knowledge, no occurrence of c.316-44C>G in individuals affected with Hemoglobinopathy and no experimental evidence demonstrating its impact on protein function have been reported. One submitter has cited clinical-significance assessments for this variant to ClinVar after 2014 and has classified the variant as likely benign. Based on the evidence outlined above, the variant was classified as VUS-possibly benign.